The following is an entry in ClinVar:

NM_153704.6(TMEM67):c.-7C>T

Gene: TMEM67 (transmembrane protein 67; plus strand). Cytogenetic location: 8q22.1.
Variant type: single nucleotide variant.
Coding change: c.-7C>T on transcript NM_153704.6 (MANE Select); 7 bases upstream of the start codon, C replaced by T.
Molecular consequence: 5 prime UTR variant. On other transcripts: non-coding transcript variant (1).
Genome position (GRCh38, 1-based): chr8:93,754,908, C>T. VCF-style: chr8-93754908-C-T. GRCh37 (hg19) VCF-style: chr8-94767136-C-T.
Other names: c.-181C>T (NM_001142301.1).
Identifiers: ClinVar variation 4977107 (VCV004977107.1).

ClinVar aggregate classification (germline): Likely benign (1 of 4 stars; one submission).

Conditions:
TMEM67-related disorder. Also called: TMEM67-related condition; TMEM67-related disorders. Identifiers: MedGen CN239423.

gnomAD v4.1: 18 of 1,613,028 alleles (0.0011%); highest among the groups gnomAD compares: Non-Finnish European, 0.0014%; no homozygotes.

Submission:

PreventionGenetics, part of Exact Sciences
Classification: Likely benign for TMEM67-related condition. Last evaluated: 2025-03-24. Review status: criteria provided, single submitter. Criteria: ACMG Guidelines, 2015. Collection method: clinical testing. Allele origin: germline.
Comment: This variant is classified as likely benign based on ACMG/AMP sequence variant interpretation guidelines (Richards et al. 2015 PMID: 25741868, with internal and published modifications).